The following is an entry in ClinVar:

NM_006922.4(SCN3A):c.2746A>C (p.Asn916His)

Gene: SCN3A (sodium voltage-gated channel alpha subunit 3; minus strand). Cytogenetic location: 2q24.3.
Variant type: single nucleotide variant.
Coding change: c.2746A>C on transcript NM_006922.4 (MANE Select); coding-DNA position 2746, A replaced by C.
Protein change: p.Asn916His; replaces asparagine 916 with histidine.
Molecular consequence: missense variant.
Genome position (GRCh38, 1-based): chr2:165,130,116, T>G on the plus strand (A>C on the coding strand, the complement: SCN3A is on the minus strand). VCF-style: chr2-165130116-T-G. GRCh37 (hg19) VCF-style: chr2-165986626-T-G.
Other names: c.2599A>C, p.Asn867His (NM_001081676.2, NM_001081677.2); short protein forms N867H, N916H.
Identifiers: ClinVar variation 2629102 (VCV002629102.2), dbSNP rs199665695, ClinGen allele CA59734253.

ClinVar aggregate classification (germline): Uncertain significance. Review status: criteria provided, multiple submitters, no conflicts (2 of 4 stars). 2 submissions from 2 submitters: Uncertain significance (2). Last evaluated 2026-03-27.

Conditions:
SCN3A-related disorder. Also called: SCN3A-related condition.

Submissions (2):

GeneDx
Classification: Uncertain significance. Last evaluated: 2026-03-27. Review status: criteria provided, single submitter. Criteria: GeneDx Variant Classification Process June 2021. Collection method: clinical testing. Allele origin: germline.
Comment: Not observed at significant frequency in large population cohorts (gnomAD); In silico analysis suggests that this missense variant does not alter protein structure/function; Has not been previously published as pathogenic or benign to our knowledge

PreventionGenetics, part of Exact Sciences
Classification: Uncertain significance for SCN3A-related condition. Last evaluated: 2023-07-18. Review status: criteria provided, single submitter. Criteria: ACMG Guidelines, 2015. Collection method: clinical testing. Allele origin: germline.
Comment: The SCN3A c.2746A>C variant is predicted to result in the amino acid substitution p.Asn916His. To our knowledge, this variant has not been reported in the literature or in a large population database, indicating this variant is rare. At this time, the clinical significance of this variant is uncertain due to the absence of conclusive functional and genetic evidence.